The following is an entry in ClinVar:

NM_006389.5(HYOU1):c.2388G>A (p.Glu796=)

Gene: HYOU1 (hypoxia up-regulated 1; minus strand). Cytogenetic location: 11q23.3.
Variant type: single nucleotide variant.
Coding change: c.2388G>A on transcript NM_006389.5 (MANE Select); coding-DNA position 2388, G replaced by A.
Protein change: p.Glu796=; no amino-acid change (glutamic acid 796 retained).
Molecular consequence: synonymous variant.
Genome position (GRCh38, 1-based): chr11:119,048,069, C>T on the plus strand (G>A on the coding strand, the complement: HYOU1 is on the minus strand). VCF-style: chr11-119048069-C-T. GRCh37 (hg19) VCF-style: chr11-118918781-C-T.
Other names: c.2388G>A, p.Glu796= (NM_001130991.3, NM_001411041.1).
Identifiers: ClinVar variation 2781013 (VCV002781013.3), dbSNP rs2497112634, ClinGen allele CA2580617798.

ClinVar aggregate classification (germline): Uncertain significance (1 of 4 stars; one submission).

Allele frequency attached by ClinVar (database versions not stated): gnomAD exomes below 0.00001.
gnomAD v4.1: 1 of 1,614,192 alleles (0.000062%); highest among the groups gnomAD compares: Non-Finnish European, 0.000085%; no homozygotes.

Submission:

Labcorp Genetics (formerly Invitae), Labcorp
Classification: Uncertain significance. Last evaluated: 2022-11-26. Review status: criteria provided, single submitter. Criteria: Invitae Variant Classification Sherloc (09022015). Collection method: clinical testing. Allele origin: germline.
Comment: In summary, the available evidence is currently insufficient to determine the role of this variant in disease. Therefore, it has been classified as a Variant of Uncertain Significance. This variant is not present in population databases (gnomAD no frequency). This sequence change affects codon 796 of the HYOU1 mRNA. It is a 'silent' change, meaning that it does not change the encoded amino acid sequence of the HYOU1 protein. This variant has not been reported in the literature in individuals affected with HYOU1-related conditions.